The following is an entry in ClinVar:

NM_206965.2(FTCD):c.1015T>A (p.Ser339Thr)

Gene: FTCD (formimidoyltransferase cyclodeaminase; minus strand). Cytogenetic location: 21q22.3.
Variant type: single nucleotide variant.
Coding change: c.1015T>A on transcript NM_206965.2 (MANE Select); coding-DNA position 1015, T replaced by A.
Protein change: p.Ser339Thr; replaces serine 339 with threonine.
Molecular consequence: missense variant.
Genome position (GRCh38, 1-based): chr21:46,145,901, A>T on the plus strand (T>A on the coding strand, the complement: FTCD is on the minus strand). VCF-style: chr21-46145901-A-T. GRCh37 (hg19) VCF-style: chr21-47565815-A-T.
Other names: c.1015T>A, p.Ser339Thr (NM_001320412.2, NM_006657.3); short protein forms S339T.
Identifiers: ClinVar variation 577189 (VCV000577189.6), dbSNP rs1195012799, ClinGen allele CA410513618.

ClinVar aggregate classification (germline): Uncertain significance (1 of 4 stars; one submission).

Conditions:
Glutamate formiminotransferase deficiency. Also called: Formiminoglutamic aciduria; Arakawa syndrome 1. Identifiers: Orphanet 51208, MedGen C0268609, MONDO:0009240, OMIM 229100.

Allele frequency attached by ClinVar (database versions not stated): gnomAD exomes 0.00001 and 0.00007; TOPMed 0.00003.
gnomAD v4.1: 8 of 1,488,498 alleles (0.00054%); highest among the groups gnomAD compares: Admixed American, 0.013%; no homozygotes.

Submission:

Labcorp Genetics (formerly Invitae), Labcorp
Classification: Uncertain significance for Glutamate formiminotransferase deficiency. Last evaluated: 2018-02-16. Review status: criteria provided, single submitter. Criteria: Invitae Variant Classification Sherloc (09022015). Collection method: clinical testing. Allele origin: germline.
Comment: This sequence change replaces serine with threonine at codon 339 of the FTCD protein (p.Ser339Thr). The serine residue is moderately conserved and there is a small physicochemical difference between serine and threonine. In summary, the available evidence is currently insufficient to determine the role of this variant in disease. Therefore, it has been classified as a Variant of Uncertain Significance. Algorithms developed to predict the effect of missense changes on protein structure and function (SIFT, PolyPhen-2, Align-GVGD) all suggest that this variant is likely to be tolerated, but these predictions have not been confirmed by published functional studies and their clinical significance is uncertain. This variant has not been reported in the literature in individuals with FTCD-related disease. While this variant is not present in population databases, the frequency information is unreliable, as metrics indicate poor data quality at this position in the ExAC database.